The following is an entry in ClinVar:

ClinVar aggregate classification (germline): Uncertain significance (1 of 4 stars; one submission).

Conditions:
Familial isolated congenital asplenia. Also called: Asplenia, isolated congenital; HYPOSPLENIA, ISOLATED CONGENITAL; ASPLENIA, FAMILIAL. Identifiers: Orphanet 101351, MedGen C0685889, MONDO:0010066, OMIM 271400.

Submission:

Neuberg Centre For Genomic Medicine, NCGM
Classification: Uncertain significance for Familial isolated congenital asplenia. Last evaluated: 2023-03-01. Review status: criteria provided, single submitter. Criteria: ACMG Guidelines, 2015. Collection method: clinical testing. Allele origin: germline. Inheritance: Autosomal dominant inheritance. Affected: yes.
Comment: The missense c.508T>G(p.Ser170Ala) variant in RPSA gene has not been reported previously as a pathogenic variant nor as a benign variant, to our knowledge. This variant is novel (not in any individuals) in gnomAD Exomes and 1000 Genomes. The amino acid Ser at position 170 is changed to a Ala changing protein sequence and it might alter its composition and physico-chemical properties. The amino acid change p.Ser170Ala in RPSA is predicted as conserved by GERP++ and PhyloP across 100 vertebrates. For these reasons, this variant has been classified as Uncertain Significance.

NM_002295.6(RPSA):c.508T>G (p.Ser170Ala)

Gene: RPSA (ribosomal protein SA; plus strand). Cytogenetic location: 3p22.1.
Variant type: single nucleotide variant.
Coding change: c.508T>G on transcript NM_002295.6 (MANE Select); coding-DNA position 508, T replaced by G.
Protein change: p.Ser170Ala; replaces serine 170 with alanine.
Molecular consequence: missense variant.
Genome position (GRCh38, 1-based): chr3:39,411,658, T>G. VCF-style: chr3-39411658-T-G. GRCh37 (hg19) VCF-style: chr3-39453149-T-G.
Other names: c.508T>G, p.Ser170Ala (NM_001012321.1); c.523T>G, p.Ser175Ala (NM_001304288.2); short protein forms S170A, S175A.
Identifiers: ClinVar variation 2671652 (VCV002671652.1), dbSNP rs2470586724, ClinGen allele CA352213673.